The following continues an entry in ClinVar:

NM_000059.4(BRCA2):c.1826A>G (p.Gln609Arg)

Gene: BRCA2. ClinVar aggregate classification (germline): Conflicting classifications of pathogenicity. Uncertain significance (9); Likely benign (1).

Submissions 9 to 14 of 14:

University of Washington Department of Laboratory Medicine, University of Washington
Classification: Likely benign for Hereditary cancer-predisposing syndrome. Last evaluated: 2023-03-23. Review status: criteria provided, single submitter. Criteria: Dines et al. (Genet Med. 2020). Collection method: curation. Allele origin: germline.
Comment: Missense variant in a coldspot region where missense variants are very unlikely to be pathogenic (PMID:31911673).

BRCA2 exon 10 coldspot. Reclassification based on statistical prior probability.

Cambridge Genomics Laboratory, East Genomic Laboratory Hub, NHS Genomic Medicine Service
Classification: Uncertain significance for Cancer or benign tumor. Last evaluated: 2020-01-10. Review status: criteria provided, single submitter. Criteria: ACGS Best Practice Guidelines for Variant Classification in Rare Disease 2020. Collection method: clinical testing. Allele origin: germline. Affected: yes. Observed: 1 variant allele.

Counsyl
Classification: Uncertain significance for Breast-ovarian cancer, familial, susceptibility to, 2. Last evaluated: 2018-02-20. Review status: no assertion criteria provided. Collection method: clinical testing. Allele origin: unknown. Not counted in ClinVar's aggregate classification.

Sharing Clinical Reports Project (SCRP)
Classification: Uncertain significance for Breast-ovarian cancer, familial 2. Last evaluated: 2010-06-18. Review status: no assertion criteria provided. Collection method: clinical testing. Allele origin: germline. Not counted in ClinVar's aggregate classification.

Breast Cancer Information Core (BIC) (BRCA2)
Classification: Uncertain significance for Breast-ovarian cancer, familial 2. Last evaluated: 2004-02-20. Review status: no assertion criteria provided. Collection method: clinical testing. Allele origin: germline. Affected: yes. Observed: 2 variant alleles. Not counted in ClinVar's aggregate classification.

Department of Pathology and Laboratory Medicine, Sinai Health System
Classification: Uncertain significance. Review status: no assertion criteria provided. Collection method: clinical testing. Allele origin: unknown. Affected: yes. Study: The Canadian Open Genetics Repository (COGR). Not counted in ClinVar's aggregate classification.
Comment: The BRCA2 p.Q609R variant was identified in 1 of 1548 proband chromosomes (frequency: 0.000646) from women with triple-negative breast cancer (Wong-Brown_2015_PMID:25682074). The variant was identified in dbSNP (ID: rs80358473) and ClinVar (classified as uncertain significance by six laboratories) but was not identified in Cosmic or LOVD 3.0. The variant was not identified in the following control databases: the 1000 Genomes Project, the NHLBI GO Exome Sequencing Project, the Exome Aggregation Consortium (August 8th 2016), or the Genome Aggregation Database (March 6, 2019, v2.1.1). The p.Gln609 residue is not conserved in mammals and computational analyses (PolyPhen-2, SIFT, AlignGVGD, BLOSUM, MutationTaster) do not suggest a high likelihood of impact to the protein; however, this information is not predictive enough to rule out pathogenicity. The variant occurs outside of the splicing consensus sequence and in silico or computational prediction software programs (SpliceSiteFinder, MaxEntScan, NNSPLICE, GeneSplicer) do not predict a difference in splicing. In summary, based on the above information the clinical significance of this variant cannot be determined with certainty at this time. This variant is classified as a variant of uncertain significance.

Literature cited by the submitters: PubMed 31396961 (cited by 6 submitters); PubMed 34063308 (cited by 3 submitters); PubMed 31911673 (cited by Quest Diagnostics Nichols Institute San Juan Capistrano); PubMed 25682074 (cited by 6 submitters); PubMed 32467295 (cited by Quest Diagnostics Nichols Institute San Juan Capistrano and Women's Health and Genetics/Laboratory Corporation of America, LabCorp); PubMed 31911633 (cited by Ambry Genetics); PubMed 37335020 (cited by Women's Health and Genetics/Laboratory Corporation of America, LabCorp); PubMed 31131967 (cited by All of Us Research Program, National Institutes of Health and Color Diagnostics, LLC DBA Color Health).